The following is an entry in ClinVar:

ClinVar aggregate classification (germline): Likely benign (1 of 4 stars; one submission).

Conditions:
Hypotaurinemic retinal degeneration and cardiomyopathy. Also called: Hypertaurinuric cardiomyopathy. Identifiers: MedGen C5542181, MONDO:0007777, OMIM 145350.

gnomAD v4.1: 12 of 1,614,060 alleles (0.00074%); highest among the groups gnomAD compares: Non-Finnish European, 0.00093%; no homozygotes.

Submission:

Centre for Medical Genetics,  Mumbai
Classification: Likely benign for Hypotaurinemic retinal degeneration and cardiomyopathy. Last evaluated: 2026-04-06. Review status: criteria provided, single submitter. Criteria: ACMG Guidelines, 2015. Collection method: provider interpretation. Allele origin: germline. Inheritance: Autosomal recessive inheritance. Affected: no. Observed: 1 variant allele, 1 homozygote.
Comment: The variant satisfies PM2 criteria; Extremely low frequency in gnomAD population databases. The variant satisfies PP3 criteria; For a missense or a splicing region variant, computational prediction tools unanimously support a deleterious effect on the gene. The variant satisfies PP2 criteria; Missense variant in a gene with low rate of benign missense mutations and for which missense mutation is a common mechanism of a disease. However, the variant satisfies BS2 criteria.

Literature cited by the submitters: PubMed 31903486.

NM_003043.6(SLC6A6):c.607G>A (p.Val203Met)

Gene: SLC6A6 (solute carrier family 6 member 6; plus strand). Cytogenetic location: 3p25.1.
Variant type: single nucleotide variant.
Coding change: c.607G>A on transcript NM_003043.6 (MANE Select); coding-DNA position 607, G replaced by A.
Protein change: p.Val203Met; replaces valine 203 with methionine.
Molecular consequence: missense variant. On other transcripts: non-coding transcript variant (1).
Genome position (GRCh38, 1-based): chr3:14,457,957, G>A. VCF-style: chr3-14457957-G-A. GRCh37 (hg19) VCF-style: chr3-14499465-G-A.
Other names: c.910G>A, p.Val304Met (NM_001134367.3); short protein forms V203M, V304M.
Identifiers: ClinVar variation 4851327 (VCV004851327.1).